The following is an entry in ClinVar:

ClinVar aggregate classification (germline): Likely pathogenic (1 of 4 stars; one submission).

Conditions:
Intellectual disability-facial dysmorphism syndrome due to SETD5 haploinsufficiency (MRD23). Also called: Intellectual developmental disorder, autosomal dominant 23. Identifiers: Orphanet 404440, MedGen C3810406, MONDO:0014336, OMIM 615761.

Submission:

Laboratorio de Genetica e Diagnostico Molecular, Hospital Israelita Albert Einstein
Classification: Likely pathogenic for Intellectual disability-facial dysmorphism syndrome due to SETD5 haploinsufficiency. Last evaluated: 2022-06-03. Review status: criteria provided, single submitter. Criteria: ACMG Guidelines, 2015. Collection method: clinical testing. Allele origin: germline. Affected: yes.
Comment: ACMG classification criteria: PVS1 very strong, PM2 moderate

NM_001080517.3(SETD5):c.3497+1G>C

Gene: SETD5 (SET domain containing 5; plus strand). Cytogenetic location: 3p25.3.
Variant type: single nucleotide variant.
Coding change: c.3497+1G>C on transcript NM_001080517.3 (MANE Select); the canonical splice donor site of the intron after coding-DNA position 3497, G replaced by C.
Molecular consequence: splice donor variant.
Genome position (GRCh38, 1-based): chr3:9,473,538, G>C. VCF-style: chr3-9473538-G-C. GRCh37 (hg19) VCF-style: chr3-9515222-G-C.
Other names: c.3203+1G>C (NM_001349451.2, NM_001292043.2).
Identifiers: ClinVar variation 4076167 (VCV004076167.1).